The following is an entry in ClinVar:

ClinVar aggregate classification (germline): Uncertain significance. Review status: criteria provided, multiple submitters, no conflicts (2 of 4 stars). 3 submissions from 3 submitters: Uncertain significance (3). Last evaluated 2025-12-09.

Conditions:
Gorlin syndrome. Also called: Nevoid Basal Cell Carcinoma Syndrome; Basal cell nevus syndrome. Identifiers: Orphanet 377, MedGen C0004779, MONDO:0007187.
Hereditary cancer-predisposing syndrome. Also called: Hereditary neoplastic syndrome; Neoplastic Syndromes, Hereditary; Tumor predisposition; Hereditary Cancer Syndrome. Identifiers: Orphanet 140162, MedGen C0027672, MeSH D009386, MONDO:0015356.

Allele frequency attached by ClinVar (database versions not stated): gnomAD exomes below 0.00001.
gnomAD v4.1: 2 of 1,614,184 alleles (0.00012%); highest among the groups gnomAD compares: Non-Finnish European, 0.000085%; no homozygotes.

Submissions (3):

Labcorp Genetics (formerly Invitae), Labcorp
Classification: Uncertain significance for Gorlin syndrome. Last evaluated: 2025-12-09. Review status: criteria provided, single submitter. Criteria: Invitae Variant Classification Sherloc (09022015). Collection method: clinical testing. Allele origin: germline.
Comment: This sequence change replaces leucine, which is neutral and non-polar, with valine, which is neutral and non-polar, at codon 765 of the PTCH1 protein (p.Leu765Val). This variant is not present in population databases (gnomAD no frequency). This variant has not been reported in the literature in individuals affected with PTCH1-related conditions. ClinVar contains an entry for this variant (Variation ID: 1789139). Invitae Evidence Modeling of protein sequence and biophysical properties (such as structural, functional, and spatial information, amino acid conservation, physicochemical variation, residue mobility, and thermodynamic stability) indicates that this missense variant is not expected to disrupt PTCH1 protein function with a negative predictive value of 95%. In summary, the available evidence is currently insufficient to determine the role of this variant in disease. Therefore, it has been classified as a Variant of Uncertain Significance.

Blueprint Genetics
Classification: Uncertain significance. Last evaluated: 2024-03-21. Review status: criteria provided, single submitter. Criteria: ACMG Guidelines, 2015. Collection method: clinical testing. Allele origin: germline.

Ambry Genetics
Classification: Uncertain significance for Hereditary cancer-predisposing syndrome. Last evaluated: 2023-08-02. Review status: criteria provided, single submitter. Criteria: Ambry Variant Classification Scheme 2023. Collection method: clinical testing. Allele origin: germline.
Comment: The p.L765V variant (also known as c.2293C>G), located in coding exon 15 of the PTCH1 gene, results from a C to G substitution at nucleotide position 2293. The leucine at codon 765 is replaced by valine, an amino acid with highly similar properties. This amino acid position is highly conserved in available vertebrate species. In addition, this alteration is predicted to be deleterious by in silico analysis. Since supporting evidence is limited at this time, the clinical significance of this alteration remains unclear.

NM_000264.5(PTCH1):c.2293C>G (p.Leu765Val)

Genes: PTCH1 (patched 1; minus strand), LOC100507346 (uncharacterized LOC100507346; plus strand). Cytogenetic location: 9q22.32.
Variant type: single nucleotide variant.
Coding change: c.2293C>G on transcript NM_000264.5 (MANE Select); coding-DNA position 2293, C replaced by G.
Protein change: p.Leu765Val; replaces leucine 765 with valine.
Molecular consequence: missense variant. On other transcripts: non-coding transcript variant (1).
Genome position (GRCh38, 1-based): chr9:95,467,383, G>C on the plus strand (C>G on the coding strand, the complement: PTCH1 is on the minus strand). VCF-style: chr9-95467383-G-C. GRCh37 (hg19) VCF-style: chr9-98229665-G-C.
Other names: c.2095C>G, p.Leu699Val (NM_001083602.3); c.2290C>G, p.Leu764Val (NM_001083603.3); c.1840C>G, p.Leu614Val (NM_001083604.3, NM_001083605.3, NM_001083606.3 and 1 more transcripts); c.2137C>G, p.Leu713Val (NM_001354918.2); short protein forms L699V, L764V, L614V, L713V, L765V.
Identifiers: ClinVar variation 1789139 (VCV001789139.9), dbSNP rs2117973513, ClinGen allele CA374114684.